The following is an entry in ClinVar:

ClinVar aggregate classification (germline): Benign/Likely benign. Review status: criteria provided, multiple submitters, no conflicts (2 of 4 stars). 2 submissions from 2 submitters: Benign (1); Likely benign (1). Last evaluated 2025-11-10.

Conditions:
Familial adenomatous polyposis 1 (FAP1). Also called: FAMILIAL ADENOMATOUS POLYPOSIS 1, ATTENUATED; POLYPOSIS, ADENOMATOUS INTESTINAL. Identifiers: MedGen C2713442, MONDO:0021056, OMIM 175100. Disease mechanism: loss of function.

Allele frequency attached by ClinVar (database versions not stated): gnomAD exomes below 0.00001.
gnomAD v4.1: 1 of 1,614,224 alleles (0.000062%); highest among the groups gnomAD compares: Non-Finnish European, 0.000085%; no homozygotes.

Submissions (2):

Labcorp Genetics (formerly Invitae), Labcorp
Classification: Likely benign for Familial adenomatous polyposis 1. Last evaluated: 2025-11-10. Review status: criteria provided, single submitter. Criteria: Invitae Variant Classification Sherloc (09022015). Collection method: clinical testing. Allele origin: germline.

Myriad Genetics, Inc.
Classification: Benign for Familial adenomatous polyposis 1. Last evaluated: 2024-03-14. Review status: criteria provided, single submitter. Criteria: Myriad Autosomal Dominant, Autosomal Recessive and X-Linked Classification Criteria (2023). Collection method: clinical testing. Allele origin: unknown.
Comment: This variant is considered benign. This variant is a silent/synonymous amino acid change and it is not expected to impact splicing.

NM_000038.6(APC):c.2523A>G (p.Leu841=)

Gene: APC (APC regulator of Wnt signaling pathway; plus strand). Cytogenetic location: 5q22.2.
Variant type: single nucleotide variant.
Coding change: c.2523A>G on transcript NM_000038.6 (MANE Select); coding-DNA position 2523, A replaced by G.
Protein change: p.Leu841=; no amino-acid change (leucine 841 retained).
Molecular consequence: synonymous variant. On other transcripts: non-coding transcript variant (2).
Genome position (GRCh38, 1-based): chr5:112,838,117, A>G. VCF-style: chr5-112838117-A-G. GRCh37 (hg19) VCF-style: chr5-112173814-A-G.
Other names: c.2523A>G, p.Leu841= (NM_001127510.3, NM_001354895.2, NM_001407450.1); c.2469A>G, p.Leu823= (NM_001127511.3); c.2577A>G, p.Leu859= (NM_001354896.2, NM_001407447.1, NM_001407448.1 and 1 more transcripts); c.2553A>G, p.Leu851= (NM_001354897.2); c.2448A>G, p.Leu816= (NM_001354898.2); c.2439A>G, p.Leu813= (NM_001354899.2); c.2400A>G, p.Leu800= (NM_001354900.2); c.2346A>G, p.Leu782= (NM_001354901.2, NM_001407453.1); and 11 more.
Identifiers: ClinVar variation 2085051 (VCV002085051.5), dbSNP rs1554084238, ClinGen allele CA445962820.